The following is an entry in ClinVar:

ClinVar aggregate classification (germline): Uncertain significance (1 of 4 stars; one submission).

Conditions:
Sialuria. Also called: Sialic Acid Storage Disease; SIALURIA, FRENCH TYPE. Identifiers: Orphanet 3166, MedGen C0342853, MONDO:0010028, OMIM 269921.
GNE myopathy (NM). Also called: INCLUSION BODY MYOPATHY, HEREDITARY, AUTOSOMAL RECESSIVE; INCLUSION BODY MYOPATHY 2, AUTOSOMAL RECESSIVE; MYOPATHY, DISTAL, WITH OR WITHOUT RIMMED VACUOLES; IBM 2; Inclusion body myopathy autosomal recessive; Inclusion body myopathy quadriceps sparing. Identifiers: Orphanet 602, MedGen C1853926, MONDO:0011603, OMIM 605820.

Submission:

Labcorp Genetics (formerly Invitae), Labcorp
Classification: Uncertain significance for Sialuria; GNE myopathy. Last evaluated: 2022-09-27. Review status: criteria provided, single submitter. Criteria: Invitae Variant Classification Sherloc (09022015). Collection method: clinical testing. Allele origin: germline.
Comment: This sequence change replaces threonine, which is neutral and polar, with alanine, which is neutral and non-polar, at codon 101 of the GNE protein (p.Thr101Ala). This variant is not present in population databases (gnomAD no frequency). In summary, the available evidence is currently insufficient to determine the role of this variant in disease. Therefore, it has been classified as a Variant of Uncertain Significance. Algorithms developed to predict the effect of missense changes on protein structure and function (SIFT, PolyPhen-2, Align-GVGD) all suggest that this variant is likely to be tolerated. This variant has not been reported in the literature in individuals affected with GNE-related conditions.

NM_005476.7(GNE):c.208A>G (p.Thr70Ala)

Gene: GNE (glucosamine (UDP-N-acetyl)-2-epimerase/N-acetylmannosamine kinase; minus strand). Cytogenetic location: 9p13.3.
Variant type: single nucleotide variant.
Coding change: c.208A>G on transcript NM_005476.7 (MANE Select); coding-DNA position 208, A replaced by G.
Protein change: p.Thr70Ala; replaces threonine 70 with alanine.
Molecular consequence: missense variant.
Genome position (GRCh38, 1-based): chr9:36,246,439, T>C on the plus strand (A>G on the coding strand, the complement: GNE is on the minus strand). VCF-style: chr9-36246439-T-C. GRCh37 (hg19) VCF-style: chr9-36246436-T-C.
Other names: c.301A>G, p.Thr101Ala (NM_001128227.3); c.208A>G, p.Thr70Ala (NM_001190383.3, NM_001374797.1); c.31A>G, p.Thr11Ala (NM_001190384.3, NM_001190388.2, NM_001374798.1); short protein forms T101A, T11A, T70A.
Identifiers: ClinVar variation 1716084 (VCV001716084.5), dbSNP rs2489791167, ClinGen allele CA373419911.